The following is an entry in ClinVar:

NM_001370259.2(MEN1):c.70G>A (p.Ala24Thr)

Gene: MEN1 (menin 1; minus strand). Cytogenetic location: 11q13.1.
Variant type: single nucleotide variant.
Coding change: c.70G>A on transcript NM_001370259.2 (MANE Select); coding-DNA position 70, G replaced by A.
Protein change: p.Ala24Thr; replaces alanine 24 with threonine.
Molecular consequence: missense variant. On other transcripts: non-coding transcript variant (4).
Genome position (GRCh38, 1-based): chr11:64,810,040, C>T on the plus strand (G>A on the coding strand, the complement: MEN1 is on the minus strand). VCF-style: chr11-64810040-C-T. GRCh37 (hg19) VCF-style: chr11-64577512-C-T.
Other names: c.70G>A, p.Ala24Thr (NM_000244.4, NM_001370251.2, NM_001370260.2 and 20 more transcripts); short protein forms A24T.
Identifiers: ClinVar variation 2450237 (VCV002450237.2), dbSNP rs2497288002, ClinGen allele CA381188084.

ClinVar aggregate classification (germline): Uncertain significance (1 of 4 stars; one submission).

Conditions:
Hereditary cancer-predisposing syndrome. Also called: Neoplastic Syndromes, Hereditary; Tumor predisposition; Hereditary neoplastic syndrome; Hereditary Cancer Syndrome. Identifiers: Orphanet 140162, MedGen C0027672, MeSH D009386, MONDO:0015356.

Submission:

Ambry Genetics
Classification: Uncertain significance for Hereditary cancer-predisposing syndrome. Last evaluated: 2023-02-17. Review status: criteria provided, single submitter. Criteria: Ambry Variant Classification Scheme 2023. Collection method: clinical testing. Allele origin: germline.
Comment: The p.A24T variant (also known as c.70G>A), located in coding exon 1 of the MEN1 gene, results from a G to A substitution at nucleotide position 70. The alanine at codon 24 is replaced by threonine, an amino acid with similar properties. This amino acid position is not well conserved in available vertebrate species. In addition, the in silico prediction for this alteration is inconclusive. Since supporting evidence is limited at this time, the clinical significance of this alteration remains unclear.